The following is an entry in ClinVar:

ClinVar aggregate classification (germline): Pathogenic (1 of 4 stars; one submission).

Conditions:
Niemann-Pick disease, type C1. Also called: NEUROVISCERAL STORAGE DISEASE WITH VERTICAL SUPRANUCLEAR OPHTHALMOPLEGIA; NIEMANN-PICK DISEASE WITH CHOLESTEROL ESTERIFICATION BLOCK; NIEMANN-PICK DISEASE WITHOUT SPHINGOMYELINASE DEFICIENCY; NIEMANN-PICK DISEASE, CHRONIC NEURONOPATHIC FORM; NIEMANN-PICK DISEASE, VARIANT TYPE C1. Identifiers: Orphanet 646, MedGen C3179455, MONDO:0009757, OMIM 257220.

Submission:

Myriad Genetics, Inc.
Classification: Pathogenic for Niemann-Pick disease, type C1. Last evaluated: 2025-03-11. Review status: criteria provided, single submitter. Criteria: Myriad Autosomal Dominant, Autosomal Recessive and X-Linked Classification Criteria (2023). Collection method: clinical testing. Allele origin: unknown.
Comment: NM_000271.4(NPC1):c.2563A>T(K855*) is expected to be pathogenic in the context of Niemann-Pick disease type C1. This variant is predicted to lead to an abnormal or absent protein product due to the creation of a premature termination codon in NPC1, a gene where loss-of-function variants are known to be pathogenic. Please note: this variant was assessed in the context of healthy population screening.

NM_000271.5(NPC1):c.2563A>T (p.Lys855Ter)

Gene: NPC1 (NPC intracellular cholesterol transporter 1; minus strand). Cytogenetic location: 18q11.2.
Variant type: single nucleotide variant.
Coding change: c.2563A>T on transcript NM_000271.5 (MANE Select); coding-DNA position 2563, A replaced by T.
Protein change: p.Lys855Ter; replaces lysine 855 with a stop codon.
Molecular consequence: nonsense.
Genome position (GRCh38, 1-based): chr18:23,540,489, T>A on the plus strand (A>T on the coding strand, the complement: NPC1 is on the minus strand). VCF-style: chr18-23540489-T-A. GRCh37 (hg19) VCF-style: chr18-21120453-T-A.
Other names: short protein forms K855*.
Identifiers: ClinVar variation 5014201 (VCV005014201.1).
Genomic context (GRCh38, chr18:23,540,489, plus strand): 5'-AAAAAGGAAGTCATCTTACATCTGGCATCGAAAGAGACTGATCCAATCCAATATCTACTT[T>A]GTTCAGGACTGCGATGCTGAATGACAGAACACCCACAAATATTGCTATCTGGAACAACAA-3'